The following is an entry in ClinVar:

NM_182641.4(BPTF):c.3877T>C (p.Ser1293Pro)

Gene: BPTF (bromodomain PHD finger transcription factor; plus strand). Cytogenetic location: 17q24.2.
Variant type: single nucleotide variant.
Coding change: c.3877T>C on transcript NM_182641.4 (MANE Select); coding-DNA position 3877, T replaced by C.
Protein change: p.Ser1293Pro; replaces serine 1293 with proline.
Molecular consequence: missense variant.
Genome position (GRCh38, 1-based): chr17:67,911,761, T>C. VCF-style: chr17-67911761-T-C. GRCh37 (hg19) VCF-style: chr17-65907877-T-C.
Other names: c.4066T>C, p.Ser1356Pro (NM_001439139.1, NM_001439141.1, NM_001439143.1 and 1 more transcripts); c.4255T>C, p.Ser1419Pro (NM_001439140.1, NM_001439142.1, NM_004459.7); short protein forms S1293P, S1356P, S1419P.
Identifiers: ClinVar variation 4539926 (VCV004539926.1).
Genomic context (GRCh38, chr17:67,911,761, plus strand): 5'-ATGGACTTTGAAGGAAAACTGGGATGTGACTCTGAATCTAATAGCACTTTGGAAAATAGT[T>C]CTGATACCGTGTCTATTCAGGATAGCAGTGAAGAAGATATGATTGTTCAGAATAGCAATG-3'
Protein context (NP_872579.2, residues 1283-1303): SESNSTLENS[Ser1293Pro]DTVSIQDSSE

ClinVar aggregate classification (germline): Uncertain significance (1 of 4 stars; one submission).

gnomAD v4.1: 1 of 1,614,200 alleles (0.000062%); highest among the groups gnomAD compares: Non-Finnish European, 0.000085%; no homozygotes.

Submission:

GeneDx
Classification: Uncertain significance. Last evaluated: 2025-06-27. Review status: criteria provided, single submitter. Criteria: GeneDx Variant Classification Process June 2021. Collection method: clinical testing. Allele origin: germline. Affected: yes.
Comment: Not observed at significant frequency in large population cohorts (gnomAD); In silico analysis supports that this missense variant has a deleterious effect on protein structure/function; Has not been previously published as pathogenic or benign to our knowledge